The following is an entry in ClinVar:

ClinVar aggregate classification (germline): Likely benign (1 of 4 stars; one submission).

Submission:

CeGaT Center for Human Genetics Tuebingen
Classification: Likely benign. Last evaluated: 2026-09-01. Review status: criteria provided, single submitter. Criteria: CeGaT Center For Human Genetics Tuebingen Variant Classification Criteria Version 2. Collection method: clinical testing. Allele origin: germline. Affected: yes. Observed: 1 variant allele.
Comment: PLEKHG2: PM2:Supporting, BP4, BP7

NM_022835.3(PLEKHG2):c.2892C>G (p.Leu964=)

Gene: PLEKHG2 (pleckstrin homology and RhoGEF domain containing G2; plus strand). Cytogenetic location: 19q13.2.
Variant type: single nucleotide variant.
Coding change: c.2892C>G on transcript NM_022835.3 (MANE Select); coding-DNA position 2892, C replaced by G.
Protein change: p.Leu964=; no amino-acid change (leucine 964 retained).
Molecular consequence: synonymous variant. On other transcripts: intron variant (1).
Genome position (GRCh38, 1-based): chr19:39,424,025, C>G. VCF-style: chr19-39424025-C-G. GRCh37 (hg19) VCF-style: chr19-39914665-C-G.
Other names: c.2715C>G, p.Leu905= (NM_001351693.2); c.1678-1213C>G (NM_001351694.2).
Identifiers: ClinVar variation 5041168 (VCV005041168.1).